The following is an entry in ClinVar:

ClinVar aggregate classification (germline): Uncertain significance (1 of 4 stars; one submission).

Conditions:
MHC class I deficiency. Identifiers: Orphanet 34592, MedGen C6024714, MONDO:0011476.

Allele frequency attached by ClinVar (database versions not stated): gnomAD exomes 0.00007; ExAC 0.00014; gnomAD 0.00001.

Submission:

Labcorp Genetics (formerly Invitae), Labcorp
Classification: Uncertain significance for MHC class I deficiency 1. Last evaluated: 2021-09-09. Review status: criteria provided, single submitter. Criteria: Invitae Variant Classification Sherloc (09022015). Collection method: clinical testing. Allele origin: germline.
Comment: This sequence change replaces glycine with valine at codon 35 of the TAP1 protein (p.Gly35Val). The glycine residue is weakly conserved and there is a moderate physicochemical difference between glycine and valine. This variant is present in population databases (rs777221320, ExAC 0.2%). This variant has not been reported in the literature in individuals affected with TAP1-related conditions. Algorithms developed to predict the effect of missense changes on protein structure and function (SIFT, PolyPhen-2, Align-GVGD) all suggest that this variant is likely to be tolerated. In summary, the available evidence is currently insufficient to determine the role of this variant in disease. Therefore, it has been classified as a Variant of Uncertain Significance.

NC_000006.12:g.32853713C>A

Gene: TAP1 (transporter 1, ATP binding cassette subfamily B member; minus strand). Cytogenetic location: 6p21.32.
Variant type: single nucleotide variant.
Genome position: GRCh38 VCF-style: chr6-32853713-C-A. GRCh37 (hg19) VCF-style: chr6-32821490-C-A.
Identifiers: ClinVar variation 1401002 (VCV001401002.3), dbSNP rs777221320, ClinGen allele CA3747106.
Genomic context (GRCh38, chr6:32,853,713, plus strand): 5'-TCCCGGTCCCGGCCGGGCCTGGGACTCTCCGCGCCCCGGTGGGGCCTGAAGCTCCGGGTA[C>A]CGCCGAGTCCTCCCCTACTGGCGGCTGGGGGAGGGAACGAGGGCGGGGCTCTCGGAAAGT-3'